The following is an entry in ClinVar:

ClinVar aggregate classification (germline): Conflicting classifications of pathogenicity. Review status: criteria provided, conflicting classifications (1 of 4 stars). 4 submissions from 4 submitters: Uncertain significance (2); Likely benign (1). 1 of the submissions does not count toward it. Last evaluated 2026-04-14.

Conditions:
ABCB4-related disorder. Also called: ABCB4-related disorders; ABCB4-related condition.
Familial intrahepatic cholestasis. Identifiers: Orphanet 284385, MedGen CN296401, MONDO:0017290.
Low phospholipid associated cholelithiasis (GBD1). Also called: Gallstone cholecystitis; Gallbladder disease 1. Identifiers: Orphanet 69663, MedGen C2609268, MONDO:0010939, OMIM 600803.

Allele frequency attached by ClinVar (database versions not stated): gnomAD exomes 0.00005; ExAC 0.00009; 1000 Genomes Project 30x 0.00016; 1000 Genomes Project 0.00020; ESP Exome Variant Server 0.00046; gnomAD 0.00047; TOPMed 0.00049.
gnomAD v4.1: 143 of 1,614,234 alleles (0.0089%); highest among the groups gnomAD compares: African/African-American, 0.18%; no homozygotes.

Submissions (4):

Genomenon, Inc
Classification: Uncertain significance for Familial intrahepatic cholestasis; Low phospholipid associated cholelithiasis. Last evaluated: 2026-04-14. Review status: criteria provided, single submitter. Criteria: Genomenon Sequence Variant Interpretation Standards - Updated. Collection method: curation. Allele origin: germline. Affected: no.
Comment: ABCB4 p.Glu1058Lys (c.3172G>A) is a missense variant that changes the amino acid at residue 1058 from Glutamic acid to Lysine. This variant has been reported in the published literature (PMID:38374565). In silico models predict that this variant is not damaging. In conclusion, we classify ABCB4 p.Glu1058Lys (c.3172G>A) as a variant of uncertain significance.

CeGaT Center for Human Genetics Tuebingen
Classification: Likely benign. Last evaluated: 2023-11-01. Review status: criteria provided, single submitter. Criteria: CeGaT Center For Human Genetics Tuebingen Variant Classification Criteria Version 2. Collection method: clinical testing. Allele origin: germline. Affected: yes. Observed: 1 variant allele.
Comment: ABCB4: BP4

Mayo Clinic Laboratories, Mayo Clinic
Classification: Uncertain significance. Last evaluated: 2023-02-16. Review status: criteria provided, single submitter. Criteria: ACMG Guidelines, 2015. Collection method: clinical testing. Allele origin: germline. Observed: 1 variant allele.
Comment: BP4

PreventionGenetics, part of Exact Sciences
Classification: Likely benign for ABCB4-related condition. Last evaluated: 2022-08-22. Review status: no assertion criteria provided. Collection method: clinical testing. Allele origin: germline. Not counted in ClinVar's aggregate classification.
Comment: This variant is classified as likely benign based on ACMG/AMP sequence variant interpretation guidelines (Richards et al. 2015 PMID: 25741868, with internal and published modifications).

Literature cited by the submitters: PubMed 38374565 (cited by Genomenon, Inc).

NM_000443.4(ABCB4):c.3172G>A (p.Glu1058Lys)

Gene: ABCB4 (ATP binding cassette subfamily B member 4; minus strand). Cytogenetic location: 7q21.12.
Variant type: single nucleotide variant.
Coding change: c.3172G>A on transcript NM_000443.4 (MANE Select); coding-DNA position 3172, G replaced by A.
Protein change: p.Glu1058Lys; replaces glutamic acid 1058 with lysine.
Molecular consequence: missense variant.
Genome position (GRCh38, 1-based): chr7:87,408,144, C>T on the plus strand (G>A on the coding strand, the complement: ABCB4 is on the minus strand). VCF-style: chr7-87408144-C-T. GRCh37 (hg19) VCF-style: chr7-87037460-C-T.
Other names: p.Glu1058Lys; c.3172G>A, p.Glu1058Lys (NM_018849.3); c.3031G>A, p.Glu1011Lys (NM_018850.3); c.3172G>A (NM_000443.3); short protein forms E1011K, E1058K.
Identifiers: ClinVar variation 2673111 (VCV002673111.26), dbSNP rs140387595, ClinGen allele CA4326839.